The following is an entry in ClinVar:

NM_003722.5(TP63):c.698A>C (p.Lys233Thr)

Gene: TP63 (tumor protein p63; plus strand). Cytogenetic location: 3q28.
Variant type: single nucleotide variant.
Coding change: c.698A>C on transcript NM_003722.5 (MANE Select); coding-DNA position 698, A replaced by C.
Protein change: p.Lys233Thr; replaces lysine 233 with threonine.
Molecular consequence: missense variant.
Genome position (GRCh38, 1-based): chr3:189,864,350, A>C. VCF-style: chr3-189864350-A-C. GRCh37 (hg19) VCF-style: chr3-189582139-A-C.
Other names: c.698A>C, p.Lys233Thr (NM_001114978.2, NM_001114979.2, NM_001329144.2 and 1 more transcripts); c.416A>C, p.Lys139Thr (NM_001114980.2, NM_001114981.2, NM_001114982.2 and 2 more transcripts); c.161A>C, p.Lys54Thr (NM_001329146.2, NM_001329150.2); c.692A>C, p.Lys231Thr (NM_001329964.2); c.698A>C (NM_003722.4); short protein forms K233T, K139T, K231T, K54T.
Identifiers: ClinVar variation 444621 (VCV000444621.44), dbSNP rs1553856533, ClinGen allele CA355753628.

ClinVar aggregate classification (germline): Uncertain significance. Review status: criteria provided, multiple submitters, no conflicts (2 of 4 stars). 2 submissions from 2 submitters: Uncertain significance (2). Last evaluated 2026-07-10.

Conditions:
TP63-related disorder. Also called: TP63-related condition; TP63-Related Disorders. Identifiers: MedGen CN380159.

Submissions (2):

PreventionGenetics, part of Exact Sciences
Classification: Uncertain significance for TP63-related condition. Last evaluated: 2026-07-10. Review status: criteria provided, single submitter. Criteria: ACMG Guidelines, 2015. Collection method: clinical testing. Allele origin: germline.
Comment: The TP63 c.698A>C variant is predicted to result in the amino acid substitution p.Lys233Thr. To our knowledge, this variant has not been reported in the literature or in a large population database (gnomAD), indicating this variant is rare. An alternative substitution affecting the same amino acid (p.Lys233Glu) has been reported in multiple individuals from one family with split hand/foot malformation (Ianakiev et al. 2000. PubMed ID:10839977). Although we suspect that this variant may be pathogenic, at this time, the clinical significance of this variant is uncertain due to the absence of conclusive functional and genetic evidence.

CeGaT Center for Human Genetics Tuebingen
Classification: Uncertain significance. Last evaluated: 2017-05-01. Review status: criteria provided, single submitter. Criteria: CeGaT Center For Human Genetics Tuebingen Variant Classification Criteria Version 2. Collection method: clinical testing. Allele origin: germline. Affected: yes. Observed: 1 variant allele.